The following is an entry in ClinVar:

ClinVar aggregate classification (germline): Uncertain significance (1 of 4 stars; one submission).

Allele frequency attached by ClinVar (database versions not stated): gnomAD exomes 0.00001.
gnomAD v4.1: 2 of 1,554,724 alleles (0.00013%); highest among the groups gnomAD compares: Non-Finnish European, 0.00017%; no homozygotes.

Submission:

Labcorp Genetics (formerly Invitae), Labcorp
Classification: Uncertain significance. Last evaluated: 2021-07-06. Review status: criteria provided, single submitter. Criteria: Invitae Variant Classification Sherloc (09022015). Collection method: clinical testing. Allele origin: germline.
Comment: This variant has not been reported in the literature in individuals with COL9A2-related conditions. This sequence change replaces glycine with serine at codon 550 of the COL9A2 protein (p.Gly550Ser). The glycine residue is highly conserved and there is a small physicochemical difference between glycine and serine. This variant is not present in population databases (ExAC no frequency). Algorithms developed to predict the effect of missense changes on protein structure and function are either unavailable or do not agree on the potential impact of this missense change (SIFT: "Deleterious"; PolyPhen-2: "Probably Damaging"; Align-GVGD: "Class C0"). In summary, the available evidence is currently insufficient to determine the role of this variant in disease. Therefore, it has been classified as a Variant of Uncertain Significance.

NM_001852.4(COL9A2):c.1648G>A (p.Gly550Ser)

Gene: COL9A2 (collagen type IX alpha 2 chain; minus strand). Cytogenetic location: 1p34.2.
Variant type: single nucleotide variant.
Coding change: c.1648G>A on transcript NM_001852.4 (MANE Select); coding-DNA position 1648, G replaced by A.
Protein change: p.Gly550Ser; replaces glycine 550 with serine.
Molecular consequence: missense variant.
Genome position (GRCh38, 1-based): chr1:40,302,765, C>T on the plus strand (G>A on the coding strand, the complement: COL9A2 is on the minus strand). VCF-style: chr1-40302765-C-T. GRCh37 (hg19) VCF-style: chr1-40768437-C-T.
Other names: short protein forms G550S.
Identifiers: ClinVar variation 1059492 (VCV001059492.9), dbSNP rs1391784684, ClinGen allele CA339876751.
Genomic context (GRCh38, chr1:40,302,765, plus strand): 5'-GCTTGCCTGGGTACCCAGGGGGCCCAGGAGGTCCTGGAGGACCCATCATGCCCACCGCAC[C>T]CAGGGCTTCCCGCTTGGCACTCACGGCGACCTCTGCCAGTTGCTCTGGAGGGAGGGAGGG-3'
Protein context (NP_001843.1, residues 540-560): VAVSAKREAL[Gly550Ser]AVGMMGPPGP